The following is an entry in ClinVar:

ClinVar aggregate classification (germline): Benign. Review status: criteria provided, multiple submitters, no conflicts (2 of 4 stars). 2 submissions from 2 submitters: Benign (2). Last evaluated 2018-06-19.

Allele frequency attached by ClinVar (database versions not stated): gnomAD 0.02967 and 0.03187; 1000 Genomes Project 0.03315; TOPMed 0.03446; 1000 Genomes Project 30x 0.03529.
gnomAD v4.1: 8,273 of 1,396,244 alleles (0.59%); highest among the groups gnomAD compares: African/African-American, 10%; 385 homozygotes.

Submissions (2):

GeneDx
Classification: Benign. Last evaluated: 2018-06-19. Review status: criteria provided, single submitter. Criteria: GeneDx Variant Classification (06012015). Collection method: clinical testing. Allele origin: germline. Affected: yes.
Comment: This variant is considered likely benign or benign based on one or more of the following criteria: it is a conservative change, it occurs at a poorly conserved position in the protein, it is predicted to be benign by multiple in silico algorithms, and/or has population frequency not consistent with disease.

Breakthrough Genomics
Classification: Benign. Review status: criteria provided, single submitter. Criteria: ACMG Guidelines, 2015. Collection method: not provided. Allele origin: germline. Inheritance: Autosomal recessive inheritance. Affected: yes.

NM_000083.3(CLCN1):c.2364+67G>A

Gene: CLCN1 (chloride voltage-gated channel 1; plus strand). Cytogenetic location: 7q34.
Variant type: single nucleotide variant.
Coding change: c.2364+67G>A on transcript NM_000083.3 (MANE Select); 67 bases into the intron after coding-DNA position 2364, G replaced by A.
Molecular consequence: intron variant.
Genome position (GRCh38, 1-based): chr7:143,346,725, G>A. VCF-style: chr7-143346725-G-A. GRCh37 (hg19) VCF-style: chr7-143043818-G-A.
Identifiers: ClinVar variation 678969 (VCV000678969.2), dbSNP rs77994621, ClinGen allele CA168227660.